The following is an entry in ClinVar:

ClinVar aggregate classification (germline): Uncertain significance (1 of 4 stars; one submission).

Conditions:
Hearing loss, autosomal dominant 71. Also called: DEAFNESS, AUTOSOMAL DOMINANT 71. Identifiers: MedGen C4539881, MONDO:0033258, OMIM 617605.

Submission:

Baylor Genetics
Classification: Uncertain significance for Hearing loss, autosomal dominant 71. Last evaluated: 2018-02-14. Review status: criteria provided, single submitter. Criteria: ACMG Guidelines, 2015. Collection method: clinical testing. Allele origin: unknown. Affected: yes.
Comment: This variant was determined to be of uncertain significance according to ACMG Guidelines, 2015 [PMID:25741868].

NM_001378457.1(DMXL2):c.8527-15_8527-11dup

Gene: DMXL2 (Dmx like 2; minus strand). Cytogenetic location: 15q21.2.
Variant type: Duplication.
Coding change: c.8527-15_8527-11dup on transcript NM_001378457.1 (MANE Select); 15 bases into the intron before coding-DNA position 8527 through 11 bases into the intron before coding-DNA position 8527, 5 bases duplicated (ATACT; older notation c.8527-15_8527-11dupATACT).
Molecular consequence: intron variant.
Genome position (GRCh38, 1-based): chr15:51,455,239-51,455,243, AGTAT duplicated on the plus strand (ATACT on the coding strand, the reverse complement: DMXL2 is on the minus strand); duplicating any 5 consecutive bases within chr15:51,455,239-51,455,244 gives the same sequence; the c. name uses the placement nearest the transcript's 3' end. VCF-style (leftmost placement, unchanged base first): chr15-51455238-C-CAGTAT. GRCh37 (hg19) VCF-style: chr15-51747435-C-CAGTAT.
Other names: c.6442-15_6442-11dup (NM_001378460.1); c.6553-15_6553-11dup (NM_001174117.3); c.8461-15_8461-11dup (NM_015263.5); c.8524-15_8524-11dup (NM_001378458.1); c.8239-15_8239-11dup (NM_001378459.1); c.8464-15_8464-11dup (NM_001174116.3).
Identifiers: ClinVar variation 1033358 (VCV001033358.1), dbSNP rs2039518483, ClinGen allele CA2176871814.